The following is an entry in ClinVar:

NM_000516.7(GNAS):c.529T>A (p.Tyr177Asn)

Gene: GNAS (GNAS complex locus; plus strand). Cytogenetic location: 20q13.32.
Variant type: single nucleotide variant.
Coding change: c.529T>A on transcript NM_000516.7 (MANE Select); coding-DNA position 529, T replaced by A.
Protein change: p.Tyr177Asn; replaces tyrosine 177 with asparagine.
Molecular consequence: missense variant. On other transcripts: 3 prime UTR variant (2).
Genome position (GRCh38, 1-based): chr20:58,905,479, T>A. VCF-style: chr20-58905479-T-A. GRCh37 (hg19) VCF-style: chr20-57480534-T-A.
Other names: c.532T>A, p.Tyr178Asn (NM_001077488.5); c.484T>A, p.Tyr162Asn (NM_001077489.4); c.*390T>A (NM_001077490.3); c.352T>A, p.Tyr118Asn (NM_001309840.2, NM_001309861.2); c.433T>A, p.Tyr145Asn (NM_001410912.1); c.2413T>A, p.Tyr805Asn (NM_001410913.1); c.*435T>A (NM_016592.5); c.2458T>A, p.Tyr820Asn (NM_080425.4); and 1 more; short protein forms Y118N, Y145N, Y162N, Y163N, Y177N, Y178N, Y805N, Y820N.
Identifiers: ClinVar variation 2634480 (VCV002634480.2), dbSNP rs2517140547, ClinGen allele CA409451366.

ClinVar aggregate classification (germline): Uncertain significance. Review status: criteria provided, multiple submitters, no conflicts (2 of 4 stars). 2 submissions from 2 submitters: Uncertain significance (2). Last evaluated 2024-01-30.

Conditions:
GNAS-related disorder. Identifiers: MedGen CN380105.
Pseudohypoparathyroidism type 1C (PHP1C). Also called: PSEUDOHYPOPARATHYROIDISM, TYPE IC; PHP IC; Pseudohypoparathyroidism Ic (PHP-Ic). Identifiers: Orphanet 79444, MedGen C2932716, MONDO:0012911, OMIM 612462.
Progressive osseous heteroplasia (POH). Also called: Osseus Heteroplasia, Progressive; ECTOPIC OSSIFICATION, FAMILIAL; Osteoma cutis; Progressive Osseus Heteroplasia (POH). Identifiers: Orphanet 2762, MedGen C0334041, MONDO:0008153, OMIM 166350, HP:0025027.
Pseudohypoparathyroidism type I A (PHP1A). Also called: Pseudohypoparathyroidism Type IA; ALBRIGHT HEREDITARY OSTEODYSTROPHY WITH MULTIPLE HORMONE RESISTANCE; PHP IA; Pseudohypoparathyroidism type 1A; Pseudohypoparathyroidism Ia (PHP-Ia). Identifiers: Orphanet 79443, MedGen C3494506, MONDO:0007078, OMIM 103580.
Pituitary adenoma 3, multiple types. Also called: PITUITARY ADENOMA 3, ACTH-SECRETING, SOMATIC; PITUITARY ADENOMA 3, GROWTH HORMONE-SECRETING, SOMATIC. Identifiers: MedGen C4540135, MONDO:0054665, OMIM 617686.
Pseudopseudohypoparathyroidism (PPHP). Also called: ALBRIGHT HEREDITARY OSTEODYSTROPHY WITHOUT MULTIPLE HORMONE RESISTANCE; Pseudopseudohypoparathyroidism (PPHP). Identifiers: Orphanet 79445, MedGen C0033835, MONDO:0012912, OMIM 612463.
ACTH-independent macronodular adrenal hyperplasia 1 (AIMAH1). Also called: ACTH-INDEPENDENT MACRONODULAR ADRENOCORTICAL HYPERPLASIA; CORTICOTROPIN-INDEPENDENT MACRONODULAR ADRENAL HYPERPLASIA; ACTH-independent macronodular adrenal hyperplasia, somatic; CUSHING SYNDROME, ADRENAL, DUE TO AIMAH; ADRENOCORTICOTROPIC HORMONE-INDEPENDENT MACRONODULAR ADRENAL HYPERPLASIA. Identifiers: MedGen C1857451, MONDO:0020735, OMIM 219080.
Pseudohypoparathyroidism type 1B (PHP1B). Also called: PHP IB; Pseudohypoparathyroidism Type IB; Pseudohypoparathyroidism Ib (PHP-Ib). Identifiers: Orphanet 94089, MedGen C1864100, MONDO:0011301, OMIM 603233.
McCune-Albright syndrome (MAS). Also called: ALBRIGHT SYNDROME; Albright's Syndrome; Albright's disease; Fibrous Dysplasia / McCune-Albright Syndrome; McCune-Albright syndrome, somatic, mosaic. Identifiers: Orphanet 562, MedGen C0242292, MONDO:0018919, OMIM 174800.

Submissions (2):

Fulgent Genetics
Classification: Uncertain significance for Pseudohypoparathyroidism type I A; Progressive osseous heteroplasia; McCune-Albright syndrome; ACTH-independent macronodular adrenal hyperplasia 1; Pseudohypoparathyroidism type 1B; Pseudohypoparathyroidism type 1C; Pseudopseudohypoparathyroidism; Pituitary adenoma 3, multiple types. Last evaluated: 2024-01-30. Review status: criteria provided, single submitter. Criteria: ACMG Guidelines, 2015. Collection method: clinical testing. Allele origin: germline.

PreventionGenetics, part of Exact Sciences
Classification: Uncertain significance for GNAS-related condition. Last evaluated: 2023-02-06. Review status: criteria provided, single submitter. Criteria: ACMG Guidelines, 2015. Collection method: clinical testing. Allele origin: germline.
Comment: The GNAS c.529T>A variant is predicted to result in the amino acid substitution p.Tyr177Asn. To our knowledge, this variant has not been reported in the literature or in a large population database, indicating this variant is rare. At this time, the clinical significance of this variant is uncertain due to the absence of conclusive functional and genetic evidence.